The following is an entry in ClinVar:

ClinVar aggregate classification (germline): Likely benign. Review status: criteria provided, single submitter (1 of 4 stars). 2 submissions from 2 submitters: Likely benign (1). 1 of the submissions does not count toward it. Last evaluated 2023-12-12.

Conditions:
ABCA5-related disorder. Also called: ABCA5-related condition.

Submissions (5):

Blueprint Genetics
Classification: Likely benign. Last evaluated: 2023-12-12. Review status: criteria provided, single submitter. Criteria: ACMG Guidelines, 2015. Collection method: clinical testing. Allele origin: germline.

PreventionGenetics, part of Exact Sciences
Classification: Likely benign for ABCA5-related condition. Last evaluated: 2019-10-28. Review status: no assertion criteria provided. Collection method: clinical testing. Allele origin: germline. Not counted in ClinVar's aggregate classification.
Comment: This variant is classified as likely benign based on ACMG/AMP sequence variant interpretation guidelines (Richards et al. 2015 PMID: 25741868, with internal and published modifications).

Dr. Peter K. Rogan Lab, Western University
No classification provided (evidence only). Condition: Malignant lymphoma, large B-cell, diffuse. Review status: no classification provided. Collection method: in vitro. Allele origin: not applicable. Functional consequence: retained intron. Not counted in ClinVar's aggregate classification.

Dr. Peter K. Rogan Lab, Western University
No classification provided (evidence only). Condition: Malignant lymphoma, large B-cell, diffuse. Review status: no classification provided. Collection method: in vitro. Allele origin: not applicable. Functional consequence: retained intron. Not counted in ClinVar's aggregate classification.

Dr. Peter K. Rogan Lab, Western University
No classification provided (evidence only). Condition: Gastric cancer. Review status: no classification provided. Collection method: in vitro. Allele origin: not applicable. Functional consequence: retained intron. Not counted in ClinVar's aggregate classification.

NM_172232.4(ABCA5):c.2595-9del

Gene: ABCA5 (ATP binding cassette subfamily A member 5; minus strand). Cytogenetic location: 17q24.3.
Variant type: Deletion.
Coding change: c.2595-9del on transcript NM_172232.4 (MANE Select); 9 bases into the intron before coding-DNA position 2595, one base deleted (T; older notation c.2595-9delT).
Molecular consequence: intron variant.
Genome position (GRCh38, 1-based): chr17:69,274,137, A deleted on the plus strand (T on the coding strand, the reverse complement: ABCA5 is on the minus strand); the first of 10 consecutive A bases (chr17:69,274,137-69,274,146); deleting any one gives the same sequence. VCF-style (leftmost placement, unchanged base first): chr17-69274136-GA-G. GRCh37 (hg19) VCF-style: chr17-67270277-GA-G.
Other names: NC_000017.10:g.67270287del; c.2595-18del (NM_172232.4); c.2595-9del (NM_018672.5).
Identifiers: ClinVar variation 3045703 (VCV003045703.4), dbSNP rs373308698, ClinGen allele CA8737259.